The following is an entry in ClinVar:

ClinVar aggregate classification (germline): Uncertain significance. Review status: criteria provided, multiple submitters, no conflicts (2 of 4 stars). 2 submissions from 2 submitters: Uncertain significance (2). Last evaluated 2026-03-09.

Conditions:
CATSPER2-related condition.

Allele frequency attached by ClinVar (database versions not stated): gnomAD exomes 0.00002; ExAC 0.00018; ESP Exome Variant Server 0.00023; gnomAD 0.00024; TOPMed 0.00034; 1000 Genomes Project 0.00040; 1000 Genomes Project 30x 0.00047.
gnomAD v4.1: 71 of 1,613,704 alleles (0.0044%); highest among the groups gnomAD compares: African/African-American, 0.08%; 2 homozygotes.

Submissions (2):

PreventionGenetics, part of Exact Sciences
Classification: Uncertain significance for CATSPER2-related condition. Last evaluated: 2026-03-09. Review status: criteria provided, single submitter. Criteria: ACMG Guidelines, 2015. Collection method: clinical testing. Allele origin: germline.
Comment: The CATSPER2 c.1436C>T variant is predicted to result in the amino acid substitution p.Pro479Leu. To our knowledge, this variant has not been reported in the literature. This variant is reported in 0.12% of alleles in individuals of African descent in gnomAD. Although we suspect that this variant may be benign, at this time, the clinical significance of this variant is uncertain due to the absence of conclusive functional and genetic evidence.

Ambry Genetics
Classification: Uncertain significance. Last evaluated: 2025-03-18. Review status: criteria provided, single submitter. Criteria: Ambry Variant Classification Scheme 2023. Collection method: clinical testing. Allele origin: germline.

NM_172095.4(CATSPER2):c.1436C>T (p.Pro479Leu)

Gene: CATSPER2 (cation channel sperm associated 2; minus strand). Cytogenetic location: 15q15.3.
Variant type: single nucleotide variant.
Coding change: c.1436C>T on transcript NM_172095.4 (MANE Select); coding-DNA position 1436, C replaced by T.
Protein change: p.Pro479Leu; replaces proline 479 with leucine.
Molecular consequence: missense variant. On other transcripts: non-coding transcript variant (2), synonymous variant (1).
Genome position (GRCh38, 1-based): chr15:43,632,324, G>A on the plus strand (C>T on the coding strand, the complement: CATSPER2 is on the minus strand). VCF-style: chr15-43632324-G-A. GRCh37 (hg19) VCF-style: chr15-43924522-G-A.
Other names: c.1430C>T, p.Pro477Leu (NM_001282309.3); c.1448C>T, p.Pro483Leu (NM_001282310.2); c.1218C>T, p.Ala406= (NM_172096.1); c.1436C>T (NM_172095.2); short protein forms P483L, P477L, P479L.
Identifiers: ClinVar variation 2468636 (VCV002468636.4), dbSNP rs139541328, ClinGen allele CA7528558.